The following is an entry in ClinVar:

ClinVar aggregate classification (germline): Uncertain significance (1 of 4 stars; one submission).

Submission:

Women's Health and Genetics/Laboratory Corporation of America, LabCorp
Classification: Uncertain significance. Last evaluated: 2024-07-22. Review status: criteria provided, single submitter. Criteria: LabCorp Variant Classification Summary - May 2015. Collection method: clinical testing. Allele origin: germline.
Comment: Variant summary: PHEX c.1963A>C (p.Arg655Arg) alters a conserved nucleotide located close to a canonical splice site and therefore could affect mRNA splicing, leading to a significantly altered protein sequence. Consensus agreement among computation tools predict no significant impact on normal splicing. However, these predictions have yet to be confirmed by functional studies. The variant was absent in 183463 control chromosomes. The available data on variant occurrences in the general population are insufficient to allow any conclusion about variant significance. To our knowledge, no occurrence of c.1963A>C in individuals affected with X-Linked Hypophosphatemic Rickets and no experimental evidence demonstrating its impact on protein function have been reported. No submitters have cited clinical-significance assessments for this variant to ClinVar. Based on the evidence outlined above, the variant was classified as uncertain significance.

NM_000444.6(PHEX):c.1963A>C (p.Arg655=)

Genes: PHEX (phosphate regulating endopeptidase X-linked; plus strand), PTCHD1-AS (PTCHD1 antisense RNA (head to head); minus strand). Cytogenetic location: Xp22.11.
Variant type: single nucleotide variant.
Coding change: c.1963A>C on transcript NM_000444.6 (MANE Select); coding-DNA position 1963, A replaced by C.
Protein change: p.Arg655=; no amino-acid change (arginine 655 retained).
Molecular consequence: synonymous variant.
Genome position (GRCh38, 1-based): chrX:22,226,506, A>C. VCF-style: chrX-22226506-A-C. GRCh37 (hg19) VCF-style: chrX-22244623-A-C.
Other names: c.1963A>C, p.Arg655= (NM_001282754.2).
Identifiers: ClinVar variation 3339414 (VCV003339414.1).